The following is an entry in ClinVar:

NM_005068.3(SIM1):c.543G>A (p.Lys181=)

Gene: SIM1 (SIM bHLH transcription factor 1; minus strand). Cytogenetic location: 6q16.3.
Variant type: single nucleotide variant.
Coding change: c.543G>A on transcript NM_005068.3 (MANE Select); coding-DNA position 543, G replaced by A.
Protein change: p.Lys181=; no amino-acid change (lysine 181 retained).
Molecular consequence: synonymous variant.
Genome position (GRCh38, 1-based): chr6:100,449,363, C>T on the plus strand (G>A on the coding strand, the complement: SIM1 is on the minus strand). VCF-style: chr6-100449363-C-T. GRCh37 (hg19) VCF-style: chr6-100897239-C-T.
Other names: c.543G>A, p.Lys181= (NM_001374769.1).
Identifiers: ClinVar variation 4981644 (VCV004981644.1).

ClinVar aggregate classification (germline): Likely benign (1 of 4 stars; one submission).

Conditions:
SIM1-related disorder. Also called: SIM1-related disorders; SIM1-related condition.

gnomAD v4.1: 2 of 1,613,340 alleles (0.00012%); highest among the groups gnomAD compares: Admixed American, 0.0033%; no homozygotes.

Submission:

PreventionGenetics, part of Exact Sciences
Classification: Likely benign for SIM1-related condition. Last evaluated: 2025-02-28. Review status: criteria provided, single submitter. Criteria: ACMG Guidelines, 2015. Collection method: clinical testing. Allele origin: germline.
Comment: This variant is classified as likely benign based on ACMG/AMP sequence variant interpretation guidelines (Richards et al. 2015 PMID: 25741868, with internal and published modifications).